The following is an entry in ClinVar:

NM_001034116.2(EIF2B4):c.138GAA[2] (p.Lys49del)

Gene: EIF2B4 (eukaryotic translation initiation factor 2B subunit delta; minus strand). Cytogenetic location: 2p23.3.
Variant type: Microsatellite.
Coding change: c.138GAA[2] on transcript NM_001034116.2 (MANE Select); two copies in a row of the 3-base unit GAA starting at c.138; the reference has three copies in a row; one copy, 3 bases deleted.
Protein change: p.Lys49del; deletes lysine 49.
Molecular consequence: inframe deletion. On other transcripts: 5 prime UTR variant (2).
Genome position (GRCh38, 1-based): chr2:27,369,479-27,369,481, TTC deleted on the plus strand (GAA on the coding strand, the reverse complement: EIF2B4 is on the minus strand); deleting any 3 consecutive bases within chr2:27,369,479-27,369,488 gives the same sequence; the position shown is the placement nearest the transcript's 3' end. VCF-style (leftmost placement, unchanged base first): chr2-27369478-TTTC-T. GRCh37 (hg19) VCF-style: chr2-27592345-TTTC-T.
Other names: c.201GAA[2], p.Lys70del (NM_001318965.2, NM_172195.4); c.93GAA[2], p.Lys34del (NM_001318966.2); c.48GAA[2], p.Lys19del (NM_001318967.2); c.-378GAA[2] (NM_001318968.2); c.-455GAA[2] (NM_001318969.2); c.138GAA[2], p.Lys49del (NM_015636.4); c.207_209delGAA (NM_172195.3); short protein forms K70del, K19del, K34del, K49del.
Identifiers: ClinVar variation 930635 (VCV000930635.8), dbSNP rs772427644, ClinGen allele CA1577003.
Genomic context (GRCh38, chr2:27,369,478, plus strand): 5'-ACATTGGGCTGCAGATACAGCAGAGCCAGTCTCTGGTTCTGCCCCCTTTTCTTCCTTCCG[TTTC>T]TTCTTCTGCTGTTTCTTTTCCTTCCGAAGCTGCAGCTTTTCTTCTTTGGTCATTTCCCTC-3'

ClinVar aggregate classification (germline): Uncertain significance. Review status: criteria provided, multiple submitters, no conflicts (2 of 4 stars). 2 submissions from 2 submitters: Uncertain significance (2). Last evaluated 2021-08-20.

Conditions:
Vanishing white matter disease. Also called: CACH syndrome; Childhood ataxia with diffuse central nervous system hypomyelination; Leukoencephalopathy with vanishing white matter; CACH/VWM syndrome; Cree leukoencehalopathy. Identifiers: Orphanet 135, Orphanet 99853, MedGen C1858991, MONDO:0800448.

Submissions (2):

Labcorp Genetics (formerly Invitae), Labcorp
Classification: Uncertain significance. Last evaluated: 2021-08-20. Review status: criteria provided, single submitter. Criteria: Invitae Variant Classification Sherloc (09022015). Collection method: clinical testing. Allele origin: germline.
Comment: This variant, c.144_146del, results in the deletion of 1 amino acid(s) of the EIF2B4 protein (p.Lys49del), but otherwise preserves the integrity of the reading frame. This variant is present in population databases (rs772427644, ExAC 0.01%). This variant has not been reported in the literature in individuals affected with EIF2B4-related conditions. Experimental studies and prediction algorithms are not available or were not evaluated, and the functional significance of this variant is currently unknown. In summary, the available evidence is currently insufficient to determine the role of this variant in disease. Therefore, it has been classified as a Variant of Uncertain Significance.

Centre for Mendelian Genomics, University Medical Centre Ljubljana
Classification: Uncertain significance for Leukoencephalopathy with vanishing white matter 1. Last evaluated: 2018-10-24. Review status: criteria provided, single submitter. Criteria: ACMG Guidelines, 2015. Collection method: clinical testing. Allele origin: unknown. Affected: yes.
Comment: This variant was classified as: Uncertain significance. The available evidence on this variant's pathogenicity is insufficient or conflicting. The following ACMG criteria were applied in classifying this variant: PM2,PP3.